The following is an entry in ClinVar:

ClinVar aggregate classification (germline): Benign/Likely benign. Review status: criteria provided, multiple submitters, no conflicts (2 of 4 stars). 2 submissions from 2 submitters: Benign (1); Likely benign (1). Last evaluated 2025-03-31.

Conditions:
Familial adenomatous polyposis 1 (FAP1). Also called: POLYPOSIS, ADENOMATOUS INTESTINAL; FAMILIAL ADENOMATOUS POLYPOSIS 1, ATTENUATED. Identifiers: MedGen C2713442, MONDO:0021056, OMIM 175100. Disease mechanism: loss of function.
Hereditary cancer-predisposing syndrome. Also called: Neoplastic Syndromes, Hereditary; Tumor predisposition; Hereditary neoplastic syndrome; Hereditary Cancer Syndrome. Identifiers: Orphanet 140162, MedGen C0027672, MeSH D009386, MONDO:0015356.

Submissions (2):

Ambry Genetics
Classification: Likely benign for Hereditary cancer-predisposing syndrome. Last evaluated: 2025-03-31. Review status: criteria provided, single submitter. Criteria: Ambry Variant Classification Scheme 2023. Collection method: clinical testing. Allele origin: germline.

Myriad Genetics, Inc.
Classification: Benign for Familial adenomatous polyposis 1. Last evaluated: 2024-03-07. Review status: criteria provided, single submitter. Criteria: Myriad Autosomal Dominant, Autosomal Recessive and X-Linked Classification Criteria (2023). Collection method: clinical testing. Allele origin: unknown.
Comment: This variant is considered benign. This variant is a silent/synonymous amino acid change and it is not expected to impact splicing.

NM_000038.6(APC):c.1911G>A (p.Gly637=)

Gene: APC (APC regulator of Wnt signaling pathway; plus strand). Cytogenetic location: 5q22.2.
Variant type: single nucleotide variant.
Coding change: c.1911G>A on transcript NM_000038.6 (MANE Select); coding-DNA position 1911, G replaced by A.
Protein change: p.Gly637=; no amino-acid change (glycine 637 retained).
Molecular consequence: synonymous variant. On other transcripts: non-coding transcript variant (2).
Genome position (GRCh38, 1-based): chr5:112,835,118, G>A. VCF-style: chr5-112835118-G-A. GRCh37 (hg19) VCF-style: chr5-112170815-G-A.
Other names: c.1911G>A, p.Gly637= (NM_001127510.3, NM_001354895.2, NM_001407450.1); c.1857G>A, p.Gly619= (NM_001127511.3); c.1965G>A, p.Gly655= (NM_001354896.2, NM_001407447.1, NM_001407448.1 and 1 more transcripts); c.1941G>A, p.Gly647= (NM_001354897.2); c.1836G>A, p.Gly612= (NM_001354898.2); c.1827G>A, p.Gly609= (NM_001354899.2); c.1788G>A, p.Gly596= (NM_001354900.2); c.1734G>A, p.Gly578= (NM_001354901.2, NM_001407453.1); and 12 more.
Identifiers: ClinVar variation 3148778 (VCV003148778.2), dbSNP rs2149843760, ClinGen allele CA445758920.